The following is an entry in ClinVar:

NM_006662.3(SRCAP):c.4537C>G (p.Pro1513Ala)

Gene: SRCAP (Snf2 related CREBBP activator protein; plus strand). Cytogenetic location: 16p11.2.
Variant type: single nucleotide variant.
Coding change: c.4537C>G on transcript NM_006662.3 (MANE Select); coding-DNA position 4537, C replaced by G.
Protein change: p.Pro1513Ala; replaces proline 1513 with alanine.
Molecular consequence: missense variant.
Genome position (GRCh38, 1-based): chr16:30,723,961, C>G. VCF-style: chr16-30723961-C-G. GRCh37 (hg19) VCF-style: chr16-30735282-C-G.
Other names: short protein forms P1513A.
Identifiers: ClinVar variation 4695149 (VCV004695149.1).
Genomic context (GRCh38, chr16:30,723,961, plus strand): 5'-TTGGCACCATCTGGTGCTTCCCCGTCAGCATCAGCCTTGACTCTAGGTTTGGCCACAGCT[C>G]CATCCCTGTCTTCATCTCAGACACCTGGTCACCCTCTGTTGTTGGCTCCCACCTCTTCAC-3'
Protein context (NP_006653.2, residues 1503-1523): SALTLGLATA[Pro1513Ala]SLSSSQTPGH

ClinVar aggregate classification (germline): Uncertain significance (1 of 4 stars; one submission).

gnomAD v4.1: 1 of 1,614,204 alleles (0.000062%); highest among the groups gnomAD compares: Non-Finnish European, 0.000085%; no homozygotes.

Submission:

Labcorp Genetics (formerly Invitae), Labcorp
Classification: Uncertain significance. Last evaluated: 2025-04-30. Review status: criteria provided, single submitter. Criteria: Invitae Variant Classification Sherloc (09022015). Collection method: clinical testing. Allele origin: germline.
Comment: This sequence change replaces proline, which is neutral and non-polar, with alanine, which is neutral and non-polar, at codon 1513 of the SRCAP protein (p.Pro1513Ala). This variant is not present in population databases (gnomAD no frequency). This variant has not been reported in the literature in individuals affected with SRCAP-related conditions. Invitae Evidence Modeling of protein sequence and biophysical properties (such as structural, functional, and spatial information, amino acid conservation, physicochemical variation, residue mobility, and thermodynamic stability) indicates that this missense variant is not expected to disrupt SRCAP protein function with a negative predictive value of 80%. In summary, the available evidence is currently insufficient to determine the role of this variant in disease. Therefore, it has been classified as a Variant of Uncertain Significance.